The following is an entry in ClinVar:

ClinVar aggregate classification (germline): Uncertain significance. Review status: criteria provided, multiple submitters, no conflicts (2 of 4 stars). 2 submissions from 2 submitters: Uncertain significance (2). Last evaluated 2025-11-25.

gnomAD v4.1: 23 of 1,613,684 alleles (0.0014%); highest among the groups gnomAD compares: African/African-American, 0.028%; no homozygotes.

Submissions (2):

Labcorp Genetics (formerly Invitae), Labcorp
Classification: Uncertain significance. Last evaluated: 2025-11-25. Review status: criteria provided, single submitter. Criteria: Invitae Variant Classification Sherloc (09022015). Collection method: clinical testing. Allele origin: germline.
Comment: This sequence change replaces arginine, which is basic and polar, with glycine, which is neutral and non-polar, at codon 89 of the RPL23 protein (p.Arg89Gly). This variant is present in population databases (rs770495795, gnomAD 0.02%). This variant has not been reported in the literature in individuals affected with RPL23-related conditions. ClinVar contains an entry for this variant (Variation ID: 2877955). An algorithm developed to predict the effect of missense changes on protein structure and function (PolyPhen-2) suggests that this variant is likely to be tolerated. In summary, the available evidence is currently insufficient to determine the role of this variant in disease. Therefore, it has been classified as a Variant of Uncertain Significance.

Ambry Genetics
Classification: Uncertain significance. Last evaluated: 2025-08-10. Review status: criteria provided, single submitter. Criteria: Ambry Variant Classification Scheme 2023. Collection method: clinical testing. Allele origin: germline.

NM_000978.4(RPL23):c.265C>G (p.Arg89Gly)

Gene: RPL23 (ribosomal protein L23; minus strand). Cytogenetic location: 17q12.
Variant type: single nucleotide variant.
Coding change: c.265C>G on transcript NM_000978.4 (MANE Select); coding-DNA position 265, C replaced by G.
Protein change: p.Arg89Gly; replaces arginine 89 with glycine.
Molecular consequence: missense variant.
Genome position (GRCh38, 1-based): chr17:38,850,437, G>C on the plus strand (C>G on the coding strand, the complement: RPL23 is on the minus strand). VCF-style: chr17-38850437-G-C. GRCh37 (hg19) VCF-style: chr17-37006690-G-C.
Other names: c.265C>G (NM_000978.3); short protein forms R89G.
Identifiers: ClinVar variation 2877955 (VCV002877955.4), dbSNP rs770495795, ClinGen allele CA8526511.